The following is an entry in ClinVar:

ClinVar aggregate classification (germline): Likely benign (1 of 4 stars; one submission).

Allele frequency attached by ClinVar (database versions not stated): TOPMed below 0.00001; gnomAD 0.00003; ExAC 0.00029.
gnomAD v4.1: 34 of 1,551,054 alleles (0.0022%); highest among the groups gnomAD compares: Non-Finnish European, 0.00035%; no homozygotes.

Submission:

CeGaT Center for Human Genetics Tuebingen
Classification: Likely benign. Last evaluated: 2022-04-01. Review status: criteria provided, single submitter. Criteria: CeGaT Center For Human Genetics Tuebingen Variant Classification Criteria Version 2. Collection method: clinical testing. Allele origin: germline. Affected: yes. Observed: 1 variant allele.
Comment: SPTBN5: BP4

NM_016642.4(SPTBN5):c.5653C>G (p.Leu1885Val)

Gene: SPTBN5 (spectrin beta, non-erythrocytic 5; minus strand). Cytogenetic location: 15q15.1.
Variant type: single nucleotide variant.
Coding change: c.5653C>G on transcript NM_016642.4 (MANE Select); coding-DNA position 5653, C replaced by G.
Protein change: p.Leu1885Val; replaces leucine 1885 with valine.
Molecular consequence: missense variant.
Genome position (GRCh38, 1-based): chr15:41,870,263, G>C on the plus strand (C>G on the coding strand, the complement: SPTBN5 is on the minus strand). VCF-style: chr15-41870263-G-C. GRCh37 (hg19) VCF-style: chr15-42162461-G-C.
Other names: short protein forms L1885V.
Identifiers: ClinVar variation 2645220 (VCV002645220.24), dbSNP rs780863979, ClinGen allele CA7502882.